The following is an entry in ClinVar:

ClinVar aggregate classification (germline): Uncertain significance (1 of 4 stars; one submission).

Submission:

Athena Diagnostics
Classification: Uncertain significance. Last evaluated: 2025-06-18. Review status: criteria provided, single submitter. Criteria: Athena Diagnostics Criteria. Collection method: clinical testing. Allele origin: unknown.
Comment: Available data are insufficient to determine the clinical significance of the variant at this time. This variant is likely inserted in tandem within the DMD gene (PMID: 25640679) and, if so, would severely disrupt protein function. Duplication of the same exons has not been reported in large, multi-ethnic general populations.

Single allele

Gene: DMD (dystrophin; minus strand). Cytogenetic location: Xp21.1.
Variant type: Duplication.
Identifiers: ClinVar variation 4682391 (VCV004682391.1).